The following is an entry in ClinVar:

ClinVar aggregate classification (germline): Uncertain significance (1 of 4 stars; one submission).

Conditions:
Hereditary cancer-predisposing syndrome. Also called: Neoplastic Syndromes, Hereditary; Tumor predisposition; Hereditary neoplastic syndrome; Hereditary Cancer Syndrome. Identifiers: Orphanet 140162, MedGen C0027672, MeSH D009386, MONDO:0015356.

Submission:

Ambry Genetics
Classification: Uncertain significance for Hereditary cancer-predisposing syndrome. Last evaluated: 2023-01-17. Review status: criteria provided, single submitter. Criteria: Ambry Variant Classification Scheme 2023. Collection method: clinical testing. Allele origin: germline.
Comment: The p.V734F variant (also known as c.2200G>T), located in coding exon 13 of the PMS2 gene, results from a G to T substitution at nucleotide position 2200. The valine at codon 734 is replaced by phenylalanine, an amino acid with highly similar properties. This amino acid position is conserved. In addition, the in silico prediction for this alteration is inconclusive. Since supporting evidence is limited at this time, the clinical significance of this alteration remains unclear.

NM_000535.7(PMS2):c.2200G>T (p.Val734Phe)

Gene: PMS2 (PMS1 homolog 2, mismatch repair system component; minus strand). Cytogenetic location: 7p22.1.
Variant type: single nucleotide variant.
Coding change: c.2200G>T on transcript NM_000535.7 (MANE Select); coding-DNA position 2200, G replaced by T.
Protein change: p.Val734Phe; replaces valine 734 with phenylalanine.
Molecular consequence: missense variant. On other transcripts: non-coding transcript variant (1), intron variant (2).
Genome position (GRCh38, 1-based): chr7:5,978,671, C>A on the plus strand (G>T on the coding strand, the complement: PMS2 is on the minus strand). VCF-style: chr7-5978671-C-A. GRCh37 (hg19) VCF-style: chr7-6018302-C-A.
Other names: c.1795G>T, p.Val599Phe (NM_001018040.1, NM_001322003.2, NM_001322004.2 and 15 more transcripts); c.2044G>T, p.Val682Phe (NM_001322006.2, NM_001406870.1); c.1882G>T, p.Val628Phe (NM_001322007.2, NM_001322008.2, NM_001406876.1 and 1 more transcripts); c.1639G>T, p.Val547Phe (NM_001322010.2, NM_001406906.1, NM_001406907.1); c.1267G>T, p.Val423Phe (NM_001322011.2, NM_001322012.2); c.1627G>T, p.Val543Phe (NM_001322013.2, NM_001406908.1, NM_001406909.1); c.2200G>T, p.Val734Phe (NM_001322014.2); c.1891G>T, p.Val631Phe (NM_001322015.2, NM_001406875.1, NM_001406877.1 and 5 more transcripts); and 16 more; short protein forms V572F, V576F, V622F, V678F, V734F, V742F, V333F, V423F.
Identifiers: ClinVar variation 2451610 (VCV002451610.2), dbSNP rs1467072152, ClinGen allele CA366736851.